The following is an entry in ClinVar:

NC_000009.11:g.(111644468_111651611)_(111696613_?)del

Gene: ELP1 (elongator acetyltransferase complex subunit 1; minus strand). Cytogenetic location: 9q31.3.
Variant type: Deletion.
Identifiers: ClinVar variation 1705187 (VCV001705187.1).

ClinVar aggregate classification (germline): Pathogenic (1 of 4 stars; one submission).

Conditions:
Familial dysautonomia. Also called: FD; HSAN III. Identifiers: Orphanet 1764, MedGen C0013364, MONDO:0009131, OMIM 223900. Disease mechanism: loss of function.

Submission:

Women's Health and Genetics/Laboratory Corporation of America, LabCorp
Classification: Pathogenic for Familial dysautonomia. Last evaluated: 2022-08-24. Review status: criteria provided, single submitter. Criteria: LabCorp Variant Classification Summary - May 2015. Collection method: clinical testing. Allele origin: germline.
Comment: Variant summary: The variant identified by MLPA or other technology involves the deletion of exons 1-29 of the in the IKBKAP (aka ELP1) gene. The exact breakpoint at the 5' end of this variant is unknown, and therefore this deletion might extend upstream of the assayed region of the gene. A presumed nomenclature of c.(?_-525)_(3222+1_3223-1)del has been designated for the purposes of this classification. This deletion removes the start codon, which is located in exon 2, together with a large part (amino acids 1-1074) of the 1332 amino acid long protein, therefore it is expected to result in an absent or shortened protein product, a known mechanism of disease. The variant was absent in 21694 control chromosomes in the gnomAD database (structural variants dataset). To our knowledge, no occurrence of c.(?_-525)_(3222+1_3223-1)del in individuals affected with Familial Dysautonomia and no experimental evidence demonstrating its impact on protein function have been reported. No clinical diagnostic laboratories have submitted clinical-significance assessments for this variant to ClinVar after 2014. Based on the evidence outlined above, the variant was classified as pathogenic.